The following is an entry in ClinVar:

ClinVar aggregate classification (germline): Uncertain significance (1 of 4 stars; one submission).

Allele frequency attached by ClinVar (database versions not stated): gnomAD exomes 0.00001; ExAC 0.00002; gnomAD 0.00002; TOPMed 0.00002.

Submission:

Labcorp Genetics (formerly Invitae), Labcorp
Classification: Uncertain significance. Last evaluated: 2024-03-05. Review status: criteria provided, single submitter. Criteria: Invitae Variant Classification Sherloc (09022015). Collection method: clinical testing. Allele origin: germline.
Comment: This sequence change affects the initiator methionine of the ITSN2 mRNA. The next in-frame methionine is located at codon 2. This variant is present in population databases (rs760205890, gnomAD 0.02%). This variant has not been reported in the literature in individuals affected with ITSN2-related conditions. ClinVar contains an entry for this variant (Variation ID: 1916979). Experimental studies and prediction algorithms are not available or were not evaluated, and the functional significance of this variant is currently unknown. In summary, the available evidence is currently insufficient to determine the role of this variant in disease. Therefore, it has been classified as a Variant of Uncertain Significance.

NM_006277.3(ITSN2):c.1A>G (p.Met1Val)

Gene: ITSN2 (intersectin 2; minus strand). Cytogenetic location: 2p23.3.
Variant type: single nucleotide variant.
Coding change: c.1A>G on transcript NM_006277.3 (MANE Select); coding-DNA position 1, A replaced by G.
Protein change: p.Met1Val; changes the start codon (methionine 1).
Molecular consequence: missense variant, initiator codon variant. On other transcripts: 5 prime UTR variant (2).
Genome position (GRCh38, 1-based): chr2:24,328,082, T>C on the plus strand (A>G on the coding strand, the complement: ITSN2 is on the minus strand). VCF-style: chr2-24328082-T-C. GRCh37 (hg19) VCF-style: chr2-24550951-T-C.
Other names: c.-109A>G (NM_001348181.2, NM_001348184.2); c.1A>G, p.Met1Val (NM_001348182.2, NM_001348183.2, NM_001348185.2 and 3 more transcripts); short protein forms M1V.
Identifiers: ClinVar variation 1916979 (VCV001916979.6), dbSNP rs760205890, ClinGen allele CA1551902.
Genomic context (GRCh38, chr2:24,328,082, plus strand): 5'-TCATCTTGCCACAAGCACAAAGCTGCTTACCATTCATAGCTGTGGGAAACTGAGCCATCA[T>C]GGTCCTGAGTTTTCCTTGCTAGCTCTCAGCCATCTGCAACATAAAAATATTGTGCCGTTG-3'
Protein context (NP_006268.2, residues 1-11): [Met1Val]MAQFPTAMNG